The following is an entry in ClinVar:

ClinVar aggregate classification (germline): Uncertain significance (1 of 4 stars; one submission).

Conditions:
Zellweger spectrum disorders (ZS). Also called: Zellweger Spectrum Disorder (ZSD); Zellweger Spectrum Disorder; Zellweger Spectrum; Zellweger syndrome. Identifiers: Orphanet 912, MedGen C0043459, MONDO:0019609.

Allele frequency attached by ClinVar (database versions not stated): gnomAD 0.00001.

Submission:

Labcorp Genetics (formerly Invitae), Labcorp
Classification: Uncertain significance for Zellweger spectrum disorders. Last evaluated: 2022-01-26. Review status: criteria provided, single submitter. Criteria: Invitae Variant Classification Sherloc (09022015). Collection method: clinical testing. Allele origin: germline.
Comment: In summary, the available evidence is currently insufficient to determine the role of this variant in disease. Therefore, it has been classified as a Variant of Uncertain Significance. Advanced modeling of protein sequence and biophysical properties (such as structural, functional, and spatial information, amino acid conservation, physicochemical variation, residue mobility, and thermodynamic stability) performed at Invitae indicates that this missense variant is not expected to disrupt PEX1 protein function. This variant has not been reported in the literature in individuals affected with PEX1-related conditions. The frequency data for this variant in the population databases is considered unreliable, as metrics indicate poor data quality at this position in the gnomAD database. This sequence change replaces threonine, which is neutral and polar, with alanine, which is neutral and non-polar, at codon 303 of the PEX1 protein (p.Thr303Ala).

NM_000466.3(PEX1):c.907A>G (p.Thr303Ala)

Gene: PEX1 (peroxisomal biogenesis factor 1; minus strand). Cytogenetic location: 7q21.2.
Variant type: single nucleotide variant.
Coding change: c.907A>G on transcript NM_000466.3 (MANE Select); coding-DNA position 907, A replaced by G.
Protein change: p.Thr303Ala; replaces threonine 303 with alanine.
Molecular consequence: missense variant.
Genome position (GRCh38, 1-based): chr7:92,517,608, T>C on the plus strand (A>G on the coding strand, the complement: PEX1 is on the minus strand). VCF-style: chr7-92517608-T-C. GRCh37 (hg19) VCF-style: chr7-92146922-T-C.
Other names: c.907A>G, p.Thr303Ala (NM_001282677.2); c.283A>G, p.Thr95Ala (NM_001282678.2); short protein forms T303A, T95A.
Identifiers: ClinVar variation 2087022 (VCV002087022.4), dbSNP rs1335215764, ClinGen allele CA368199067.